The following is an entry in ClinVar:

ClinVar aggregate classification (germline): Uncertain significance (1 of 4 stars; one submission).

Submission:

GeneDx
Classification: Uncertain significance. Last evaluated: 2025-06-29. Review status: criteria provided, single submitter. Criteria: GeneDx Variant Classification Process June 2021. Collection method: clinical testing. Allele origin: germline. Affected: yes.
Comment: Not observed at significant frequency in large population cohorts (gnomAD); In silico analysis supports that this missense variant has a deleterious effect on protein structure/function; Has not been previously published as pathogenic or benign to our knowledge

NM_001368397.1(FRMPD4):c.641A>G (p.Gln214Arg)

Gene: FRMPD4 (FERM and PDZ domain containing 4; plus strand). Cytogenetic location: Xp22.2.
Variant type: single nucleotide variant.
Coding change: c.641A>G on transcript NM_001368397.1 (MANE Select); coding-DNA position 641, A replaced by G.
Protein change: p.Gln214Arg; replaces glutamine 214 with arginine.
Molecular consequence: missense variant.
Genome position (GRCh38, 1-based): chrX:12,686,164, A>G. VCF-style: chrX-12686164-A-G. GRCh37 (hg19) VCF-style: chrX-12704283-A-G.
Other names: c.752A>G, p.Gln251Arg (NM_001368395.3, NM_001368398.3); c.647A>G, p.Gln216Arg (NM_001368396.3); c.632A>G, p.Gln211Arg (NM_001368399.3); c.521A>G, p.Gln174Arg (NM_001368400.3); c.617A>G, p.Gln206Arg (NM_001368401.1, NM_001368402.3); c.641A>G, p.Gln214Arg (NM_014728.3); short protein forms Q174R, Q206R, Q211R, Q214R, Q216R, Q251R.
Identifiers: ClinVar variation 4539941 (VCV004539941.1).